The following is an entry in ClinVar:

NM_020971.3(SPTBN4):c.6171G>A (p.Ala2057=)

Gene: SPTBN4 (spectrin beta, non-erythrocytic 4; plus strand). Cytogenetic location: 19q13.2.
Variant type: single nucleotide variant.
Coding change: c.6171G>A on transcript NM_020971.3 (MANE Select); coding-DNA position 6171, G replaced by A.
Protein change: p.Ala2057=; no amino-acid change (alanine 2057 retained).
Molecular consequence: synonymous variant.
Genome position (GRCh38, 1-based): chr19:40,566,194, G>A. VCF-style: chr19-40566194-G-A. GRCh37 (hg19) VCF-style: chr19-41072100-G-A.
Identifiers: ClinVar variation 768993 (VCV000768993.30), dbSNP rs113875755, ClinGen allele CA9446720.

ClinVar aggregate classification (germline): Benign/Likely benign. Review status: criteria provided, multiple submitters, no conflicts (2 of 4 stars). 4 submissions from 4 submitters: Benign (3); Likely benign (1). Last evaluated 2026-01-29.

Conditions:
SPTBN4-related disorder. Also called: SPTBN4-related condition.

Allele frequency attached by ClinVar (database versions not stated): ExAC 0.00277; gnomAD 0.00382 and 0.00405; TOPMed 0.00388; ESP Exome Variant Server 0.00390; 1000 Genomes Project 30x 0.00547; 1000 Genomes Project 0.00599.
gnomAD v4.1: 1,188 of 1,542,392 alleles (0.077%); highest among the groups gnomAD compares: African/African-American, 1.3%; 8 homozygotes.

Submissions (4):

PreventionGenetics, part of Exact Sciences
Classification: Benign for SPTBN4-related condition. Last evaluated: 2026-01-29. Review status: criteria provided, single submitter. Criteria: ACMG Guidelines, 2015. Collection method: clinical testing. Allele origin: germline.
Comment: This variant is classified as benign based on ACMG/AMP sequence variant interpretation guidelines (Richards et al. 2015 PMID: 25741868, with internal and published modifications).

CeGaT Center for Human Genetics Tuebingen
Classification: Likely benign. Last evaluated: 2025-09-01. Review status: criteria provided, single submitter. Criteria: CeGaT Center For Human Genetics Tuebingen Variant Classification Criteria Version 2. Collection method: clinical testing. Allele origin: germline. Affected: yes. Observed: 4 variant alleles.
Comment: SPTBN4: BP4, BP7, BS1

Labcorp Genetics (formerly Invitae), Labcorp
Classification: Benign. Last evaluated: 2019-12-31. Review status: criteria provided, single submitter. Criteria: Invitae Variant Classification Sherloc (09022015). Collection method: clinical testing. Allele origin: germline.

Breakthrough Genomics
Classification: Benign. Review status: criteria provided, single submitter. Criteria: ACMG Guidelines, 2015. Collection method: not provided. Allele origin: germline. Inheritance: Autosomal recessive inheritance. Affected: yes.